The following is an entry in ClinVar:

NM_000132.4(F8):c.6118T>G (p.Cys2040Gly)

Gene: F8 (coagulation factor VIII; minus strand). Cytogenetic location: Xq28.
Variant type: single nucleotide variant.
Coding change: c.6118T>G on transcript NM_000132.4 (MANE Select); coding-DNA position 6118, T replaced by G.
Protein change: p.Cys2040Gly; replaces cysteine 2040 with glycine.
Molecular consequence: missense variant.
Genome position (GRCh38, 1-based): chrX:154,901,440, A>C on the plus strand (T>G on the coding strand, the complement: F8 is on the minus strand). VCF-style: chrX-154901440-A-C. GRCh37 (hg19) VCF-style: chrX-154129715-A-C.
Other names: short protein forms C2040G.
Identifiers: ClinVar variation 1330791 (VCV001330791.8), dbSNP rs2123993603, ClinGen allele CA414904332.
Genomic context (GRCh38, chrX:154,901,440, plus strand): 5'-CTGAAGCTGTAATCTGAAAATCTCTAATGTGTCCAGAAGCCATTCCCAGGGGAGTCTGAC[A>C]CTCTGAAATGAAACGGGTGGAACACAGTAACTAGAAGTGCACAAAATTCAGCTTCTCAAA-3'
Protein context (NP_000123.1, residues 2030-2050): STLFLVYSNK[Cys2040Gly]QTPLGMASGH

ClinVar aggregate classification (germline): Likely pathogenic (1 of 4 stars; one submission).

Conditions:
Hereditary factor VIII deficiency disease (HEMA). Also called: HEMOPHILIA, CLASSIC; AUTOSOMAL HEMOPHILIA A; Hemophilia A; Hemophilia A, congenital; HEM A; Factor 8 deficiency, congenital. Identifiers: Orphanet 98878, MedGen C0019069, MONDO:0010602, OMIM 306700.

Submissions (2):

ARUP Laboratories, Molecular Genetics and Genomics, ARUP Laboratories
Classification: Likely pathogenic for Hereditary factor VIII deficiency disease. Last evaluated: 2021-06-03. Review status: criteria provided, single submitter. Criteria: ARUP Molecular Germline Variant Investigation Process 2021. Collection method: clinical testing. Allele origin: germline.
Comment: The F8 c.6118T>G; p.Cys2040Gly variant, also known as p.Cys2021Gly, is reported in the literature in multiple individuals affected with mild to moderate hemophilia A (see F8 database and references therein, Eckhardt 2013). This variant is absent from the Genome Aggregation Database, indicating it is not a common polymorphism. Additionally, another variant at this codon (c.6119G>A, p.Cys2040Tyr) has been reported in individuals with mild to moderate hemophilia A and is considered disease causing (F8 database, Green 2008). The cystine at codon 2040 is highly conserved, and computational analyses predict that this variant is deleterious (REVEL: 0.772). Based on available information, this variant is considered to be likely pathogenic. References: Factor VIII variant database: Eckhardt CL et al. Factor VIII gene (F8) mutation and risk of inhibitor development in nonsevere hemophilia A. Blood. 2013 Sep 12;122(11):1954-62. PMID: 23926300. Green PM et al. Haemophilia A mutations in the UK: results of screening one-third of the population. Br J Haematol. 2008 Oct;143(1):115-28. PMID: 18691168.

Dr. Peter K. Rogan Lab, Western University
No classification provided (evidence only). Condition: Nonpapillary renal cell carcinoma. Review status: no classification provided. Collection method: in vitro. Allele origin: not applicable. Functional consequence: retained intron. Not counted in ClinVar's aggregate classification.